The following is an entry in ClinVar:

NM_003480.4(MFAP5):c.112A>T (p.Thr38Ser)

Gene: MFAP5 (microfibril associated protein 5; minus strand). Cytogenetic location: 12p13.31.
Variant type: single nucleotide variant.
Coding change: c.112A>T on transcript NM_003480.4 (MANE Select); coding-DNA position 112, A replaced by T.
Protein change: p.Thr38Ser; replaces threonine 38 with serine.
Molecular consequence: missense variant. On other transcripts: non-coding transcript variant (2).
Genome position (GRCh38, 1-based): chr12:8,655,813, T>A on the plus strand (A>T on the coding strand, the complement: MFAP5 is on the minus strand). VCF-style: chr12-8655813-T-A. GRCh37 (hg19) VCF-style: chr12-8808409-T-A.
Other names: c.112A>T, p.Thr38Ser (NM_001297709.2, NM_001297711.2, NM_001297712.2); c.76A>T, p.Thr26Ser (NM_001297710.2); short protein forms T26S, T38S.
Identifiers: ClinVar variation 2448113 (VCV002448113.2), dbSNP rs2540300849, ClinGen allele CA384039525.

ClinVar aggregate classification (germline): Uncertain significance (1 of 4 stars; one submission).

Conditions:
Cardiovascular phenotype. Identifiers: MedGen CN230736.

Submission:

Ambry Genetics
Classification: Uncertain significance for Cardiovascular phenotype. Last evaluated: 2023-01-28. Review status: criteria provided, single submitter. Criteria: Ambry Variant Classification Scheme 2023. Collection method: clinical testing. Allele origin: germline.
Comment: The p.T38S variant (also known as c.112A>T), located in coding exon 3 of the MFAP5 gene, results from an A to T substitution at nucleotide position 112. The threonine at codon 38 is replaced by serine, an amino acid with similar properties. This amino acid position is conserved. In addition, this alteration is predicted to be tolerated by in silico analysis. Since supporting evidence is limited at this time, the clinical significance of this alteration remains unclear.